The following is an entry in ClinVar:

ClinVar aggregate classification (germline): Uncertain significance. Review status: criteria provided, multiple submitters, no conflicts (2 of 4 stars). 3 submissions from 3 submitters: Uncertain significance (3). Last evaluated 2025-12-04.

Conditions:
Inborn genetic diseases. Identifiers: MedGen C0950123, MeSH D030342.

Allele frequency attached by ClinVar (database versions not stated): gnomAD exomes 0.00002 and 0.00004; ExAC 0.00004; gnomAD 0.00012; TOPMed 0.00020; 1000 Genomes Project 0.00040; 1000 Genomes Project 30x 0.00047; ESP Exome Variant Server 0.00054.

Submissions (3):

Ambry Genetics
Classification: Uncertain significance for Inborn genetic diseases. Last evaluated: 2025-12-04. Review status: criteria provided, single submitter. Criteria: Ambry Variant Classification Scheme 2023. Collection method: clinical testing. Allele origin: germline.

Labcorp Genetics (formerly Invitae), Labcorp
Classification: Uncertain significance. Last evaluated: 2025-01-23. Review status: criteria provided, single submitter. Criteria: Invitae Variant Classification Sherloc (09022015). Collection method: clinical testing. Allele origin: germline.
Comment: This sequence change replaces isoleucine, which is neutral and non-polar, with valine, which is neutral and non-polar, at codon 20 of the NDUFA9 protein (p.Ile20Val). This variant is present in population databases (rs148447690, gnomAD 0.02%). This variant has not been reported in the literature in individuals affected with NDUFA9-related conditions. ClinVar contains an entry for this variant (Variation ID: 214717). An algorithm developed to predict the effect of missense changes on protein structure and function outputs the following: PolyPhen-2: "Benign". The valine amino acid residue is found in multiple mammalian species, which suggests that this missense change does not adversely affect protein function. In summary, the available evidence is currently insufficient to determine the role of this variant in disease. Therefore, it has been classified as a Variant of Uncertain Significance.

GeneDx
Classification: Uncertain significance. Last evaluated: 2024-04-16. Review status: criteria provided, single submitter. Criteria: GeneDx Variant Classification Process June 2021. Collection method: clinical testing. Allele origin: germline. Affected: yes.
Comment: In silico analysis indicates that this missense variant does not alter protein structure/function; Has not been previously published as pathogenic or benign to our knowledge

NM_005002.5(NDUFA9):c.58A>G (p.Ile20Val)

Gene: NDUFA9 (NADH:ubiquinone oxidoreductase subunit A9; plus strand). Cytogenetic location: 12p13.32.
Variant type: single nucleotide variant.
Coding change: c.58A>G on transcript NM_005002.5 (MANE Select); coding-DNA position 58, A replaced by G.
Protein change: p.Ile20Val; replaces isoleucine 20 with valine.
Molecular consequence: missense variant.
Genome position (GRCh38, 1-based): chr12:4,654,300, A>G. VCF-style: chr12-4654300-A-G. GRCh37 (hg19) VCF-style: chr12-4763466-A-G.
Other names: short protein forms I20V.
Identifiers: ClinVar variation 214717 (VCV000214717.6), dbSNP rs148447690, ClinGen allele CA319763.